The following is an entry in ClinVar:

NM_031448.6(C19orf12):c.*2763A>G

Gene: C19orf12 (chromosome 19 open reading frame 12; minus strand). Cytogenetic location: 19q12.
Variant type: single nucleotide variant.
Coding change: c.*2763A>G on transcript NM_031448.6 (MANE Select); 2763 bases downstream of the stop codon, A replaced by G.
Molecular consequence: 3 prime UTR variant.
Genome position (GRCh38, 1-based): chr19:29,699,949, T>C on the plus strand (A>G on the coding strand, the complement: C19orf12 is on the minus strand). VCF-style: chr19-29699949-T-C. GRCh37 (hg19) VCF-style: chr19-30190856-T-C.
Other names: c.*2763A>G (NM_001031726.4, NM_001256047.2, NM_001282929.1 and 2 more transcripts); c.*2810A>G (NM_001256046.3).
Identifiers: ClinVar variation 328678 (VCV000328678.5), dbSNP rs113735809, ClinGen allele CA9351669.

ClinVar aggregate classification (germline): Benign (1 of 4 stars; one submission).

Conditions:
Neurodegeneration with brain iron accumulation 4 (NBIA4). Also called: MITOCHONDRIAL PROTEIN-ASSOCIATED NEURODEGENERATION. Identifiers: Orphanet 289560, MedGen C3280371, MONDO:0013674, OMIM 614298. Disease mechanism: loss of function.

Allele frequency attached by ClinVar (database versions not stated): ExAC 0.00046; gnomAD exomes 0.00130 and 0.00211; gnomAD 0.00956 and 0.01028; TOPMed 0.01090; 1000 Genomes Project 0.01198; 1000 Genomes Project 30x 0.01312.
gnomAD v4.1: 1,849 of 454,078 alleles (0.41%); highest among the groups gnomAD compares: African/African-American, 3.3%; 29 homozygotes.

Submission:

Illumina Laboratory Services, Illumina
Classification: Benign for Neurodegeneration with brain iron accumulation 4. Last evaluated: 2018-01-12. Review status: criteria provided, single submitter. Criteria: ICSL Variant Classification Criteria 13 December 2019. Collection method: clinical testing. Allele origin: germline.
Comment: This variant was observed in the ICSL laboratory as part of a predisposition screen in an ostensibly healthy population. It had not been previously curated by ICSL or reported in the Human Gene Mutation Database (HGMD: prior to June 1st, 2018), and was therefore a candidate for classification through an automated scoring system. Utilizing variant allele frequency, disease prevalence and penetrance estimates, and inheritance mode, an automated score was calculated to assess if this variant is too frequent to cause the disease. Based on the score and internal cut-off values, a variant classified as benign is not then subjected to further curation. The score for this variant resulted in a classification of benign for this disease.